The following is an entry in ClinVar:

NM_000702.4(ATP1A2):c.2716G>C (p.Glu906Gln)

Gene: ATP1A2 (ATPase Na+/K+ transporting subunit alpha 2; plus strand). Cytogenetic location: 1q23.2.
Variant type: single nucleotide variant.
Coding change: c.2716G>C on transcript NM_000702.4 (MANE Select); coding-DNA position 2716, G replaced by C.
Protein change: p.Glu906Gln; replaces glutamic acid 906 with glutamine.
Molecular consequence: missense variant.
Genome position (GRCh38, 1-based): chr1:160,136,907, G>C. VCF-style: chr1-160136907-G-C. GRCh37 (hg19) VCF-style: chr1-160106697-G-C.
Other names: short protein forms E906Q.
Identifiers: ClinVar variation 955309 (VCV000955309.9), dbSNP rs1651972255, ClinGen allele CA343252461.

ClinVar aggregate classification (germline): Uncertain significance (1 of 4 stars; one submission).

Conditions:
Familial hemiplegic migraine. Identifiers: MedGen C0338484, MONDO:0000700.

Submission:

Labcorp Genetics (formerly Invitae), Labcorp
Classification: Uncertain significance for Familial hemiplegic migraine. Last evaluated: 2022-02-04. Review status: criteria provided, single submitter. Criteria: Invitae Variant Classification Sherloc (09022015). Collection method: clinical testing. Allele origin: germline.
Comment: This sequence change replaces glutamic acid, which is acidic and polar, with glutamine, which is neutral and polar, at codon 906 of the ATP1A2 protein (p.Glu906Gln). This variant is not present in population databases (gnomAD no frequency). This variant has not been reported in the literature in individuals affected with ATP1A2-related conditions. ClinVar contains an entry for this variant (Variation ID: 955309). Algorithms developed to predict the effect of missense changes on protein structure and function are either unavailable or do not agree on the potential impact of this missense change (SIFT: "Deleterious"; PolyPhen-2: "Benign"; Align-GVGD: "Class C25"). In summary, the available evidence is currently insufficient to determine the role of this variant in disease. Therefore, it has been classified as a Variant of Uncertain Significance.